The following is an entry in ClinVar:

ClinVar aggregate classification (germline): Benign; risk factor. Review status: no assertion criteria provided (0 of 4 stars). 3 submissions from 2 submitters: Benign (1). Last evaluated 2019-10-16.

Conditions:
IL13-related disorder. Also called: IL13-related condition.
Allergic rhinitis, susceptibility to. Identifiers: MedGen C4017540, MONDO:0100177, OMIM 607154.
Inherited susceptibility to asthma. Also called: Asthma, susceptibility to; ASTHMA, BRONCHIAL; ASTHMA-RELATED TRAITS, SUSCEPTIBILITY TO. Identifiers: MedGen C1869116, MONDO:0010940, OMIM 600807.

Allele frequency attached by ClinVar (database versions not stated): gnomAD exomes 0.72064 and 0.78648; 1000 Genomes Project 30x 0.72611; 1000 Genomes Project 0.73003; ExAC 0.73363; gnomAD 0.76907 and 0.77353; TOPMed 0.77452.
gnomAD v4.1: 1,266,430 of 1,613,648 alleles (78%); highest among the groups gnomAD compares: African/African-American, 82%; 502,207 homozygotes.

Submissions (3):

PreventionGenetics, part of Exact Sciences
Classification: Benign for IL13-related condition. Last evaluated: 2019-10-16. Review status: no assertion criteria provided. Collection method: clinical testing. Allele origin: germline.
Comment: This variant is classified as benign based on ACMG/AMP sequence variant interpretation guidelines (Richards et al. 2015 PMID: 25741868, with internal and published modifications).

OMIM
Classification: risk factor for ASTHMA, SUSCEPTIBILITY TO. Last evaluated: 2005-03-01. Review status: no assertion criteria provided. Collection method: literature only. Allele origin: germline.

OMIM
Classification: risk factor for ALLERGIC RHINITIS, SUSCEPTIBILITY TO. Last evaluated: 2005-03-01. Review status: no assertion criteria provided. Collection method: literature only. Allele origin: germline.

Literature cited by the submitters: PubMed 10699178 (cited by OMIM); PubMed 15356556 (cited by OMIM); PubMed 12928861 (cited by OMIM); PubMed 15483090 (cited by OMIM); PubMed 15711639 (cited by OMIM).

NM_002188.3(IL13):c.431A>G (p.Gln144Arg)

Gene: IL13 (interleukin 13; plus strand). Cytogenetic location: 5q31.1.
Variant type: single nucleotide variant.
Coding change: c.431A>G on transcript NM_002188.3 (MANE Select); coding-DNA position 431, A replaced by G.
Protein change: p.Gln144Arg; replaces glutamine 144 with arginine.
Molecular consequence: missense variant.
Genome position (GRCh38, 1-based): chr5:132,660,272, A>G. VCF-style: chr5-132660272-A-G. GRCh37 (hg19) VCF-style: chr5-131995964-A-G.
Other names: R130Q; c.236A>G, p.Gln79Arg (NM_001354991.2, NM_001354992.2, NM_001354993.2); c.431A>G (NM_002188.2); short protein forms Q144R, Q79R.
Identifiers: ClinVar variation 14673 (VCV000014673.7), dbSNP rs20541, ClinGen allele CA124197.